The following is an entry in ClinVar:

NM_000051.4(ATM):c.8703T>G (p.Pro2901=)

Genes: ATM (ATM serine/threonine kinase; plus strand), C11orf65 (chromosome 11 open reading frame 65; minus strand). Cytogenetic location: 11q22.3.
Variant type: single nucleotide variant.
Coding change: c.8703T>G on transcript NM_000051.4 (MANE Select); coding-DNA position 8703, T replaced by G.
Protein change: p.Pro2901=; no amino-acid change (proline 2901 retained).
Molecular consequence: synonymous variant. On other transcripts: intron variant (2).
Genome position (GRCh38, 1-based): chr11:108,353,797, T>G. VCF-style: chr11-108353797-T-G. GRCh37 (hg19) VCF-style: chr11-108224524-T-G.
Other names: c.8703T>G, p.Pro2901= (NM_001351834.2); c.640+32123A>C (NM_001330368.2); c.695-18505A>C (NM_001351110.2).
Identifiers: ClinVar variation 3253935 (VCV003253935.1), dbSNP rs2137288409.

ClinVar aggregate classification (germline): Benign (1 of 4 stars; one submission).

Conditions:
Familial cancer of breast. Also called: hereditary breast carcinoma; BREAST CANCER, FAMILIAL; Hereditary breast cancer. Identifiers: Orphanet 227535, MedGen C0346153, MONDO:0016419, OMIM 114480. Disease mechanism: loss of function.

Submission:

Myriad Genetics, Inc.
Classification: Benign for Familial cancer of breast. Last evaluated: 2024-06-20. Review status: criteria provided, single submitter. Criteria: Myriad Autosomal Dominant, Autosomal Recessive and X-Linked Classification Criteria (2023). Collection method: clinical testing. Allele origin: unknown.
Comment: This variant is considered benign. This variant is a silent/synonymous amino acid change and it is not expected to impact splicing.